The following is an entry in ClinVar:

NM_000090.4(COL3A1):c.2226C>G (p.Asp742Glu)

Gene: COL3A1 (collagen type III alpha 1 chain; plus strand). Cytogenetic location: 2q32.2.
Variant type: single nucleotide variant.
Coding change: c.2226C>G on transcript NM_000090.4 (MANE Select); coding-DNA position 2226, C replaced by G.
Protein change: p.Asp742Glu; replaces aspartic acid 742 with glutamic acid.
Molecular consequence: missense variant.
Genome position (GRCh38, 1-based): chr2:188,999,574, C>G. VCF-style: chr2-188999574-C-G. GRCh37 (hg19) VCF-style: chr2-189864300-C-G.
Other names: short protein forms D742E.
Identifiers: ClinVar variation 4072564 (VCV004072564.1).

ClinVar aggregate classification (germline): Uncertain significance (1 of 4 stars; one submission).

gnomAD v4.1: 2 of 1,612,730 alleles (0.00012%); highest among the groups gnomAD compares: South Asian, 0.0011%; no homozygotes.

Submission:

GeneDx
Classification: Uncertain significance. Last evaluated: 2025-01-29. Review status: criteria provided, single submitter. Criteria: GeneDx Variant Classification Process June 2021. Collection method: clinical testing. Allele origin: germline. Affected: yes.
Comment: Not observed at significant frequency in large population cohorts (gnomAD); In silico analysis supports that this missense variant has a deleterious effect on protein structure/function; In silico analysis indicates that this missense variant does not alter protein structure/function; Has not been previously published as pathogenic or benign to our knowledge